The following is an entry in ClinVar:

NM_182641.4(BPTF):c.961A>G (p.Ile321Val)

Gene: BPTF (bromodomain PHD finger transcription factor; plus strand). Cytogenetic location: 17q24.2.
Variant type: single nucleotide variant.
Coding change: c.961A>G on transcript NM_182641.4 (MANE Select); coding-DNA position 961, A replaced by G.
Protein change: p.Ile321Val; replaces isoleucine 321 with valine.
Molecular consequence: missense variant.
Genome position (GRCh38, 1-based): chr17:67,854,287, A>G. VCF-style: chr17-67854287-A-G. GRCh37 (hg19) VCF-style: chr17-65850403-A-G.
Other names: c.961A>G, p.Ile321Val (NM_004459.7); short protein forms I321V.
Identifiers: ClinVar variation 1028762 (VCV001028762.1), dbSNP rs770051470, ClinGen allele CA400720338.
Genomic context (GRCh38, chr17:67,854,287, plus strand): 5'-TCCAATACTACCTTTGGACCTGCTGATCTGAAAGATAGCGTTAATTCCACACTGTATTTC[A>G]TAGATGGGATGACGTGGCCAGAGGTGCTGCGGGTGTACTGTGAGAGTGATAAGGAGTACC-3'
Protein context (NP_872579.2, residues 311-331): KDSVNSTLYF[Ile321Val]DGMTWPEVLR

ClinVar aggregate classification (germline): Uncertain significance (1 of 4 stars; one submission).

Conditions:
Neurodevelopmental disorder with dysmorphic facies and distal limb anomalies. Identifiers: Orphanet 686482, MedGen C4540327, MONDO:0060596, OMIM 617755.

Submission:

Baylor Genetics
Classification: Uncertain significance for Neurodevelopmental disorder with dysmorphic facies and distal limb anomalies. Last evaluated: 2019-12-06. Review status: criteria provided, single submitter. Criteria: ACMG Guidelines, 2015. Collection method: clinical testing. Allele origin: unknown. Affected: yes.
Comment: This variant was determined to be of uncertain significance according to ACMG Guidelines, 2015 [PMID:25741868].